The following is an entry in ClinVar:

ClinVar aggregate classification (germline): Pathogenic. Review status: criteria provided, multiple submitters, no conflicts (2 of 4 stars). 4 submissions from 4 submitters: Pathogenic (4). Last evaluated 2025-12-01.

Conditions:
Facioscapulohumeral muscular dystrophy 2 (FSHD2). Also called: MUSCULAR DYSTROPHY, FACIOSCAPULOHUMERAL, TYPE 1B; FSHD2, DIGENIC; FACIOSCAPULOHUMERAL MUSCULAR DYSTROPHY 2, DIGENIC. Identifiers: Orphanet 269, MedGen C1834671, MONDO:0008031, OMIM 158901.

Submissions (4):

CeGaT Center for Human Genetics Tuebingen
Classification: Pathogenic. Last evaluated: 2025-12-01. Review status: criteria provided, single submitter. Criteria: CeGaT Center For Human Genetics Tuebingen Variant Classification Criteria Version 2. Collection method: clinical testing. Allele origin: germline. Affected: yes. Observed: 1 variant allele.
Comment: SMCHD1: PVS1, PM2, PS4:Supporting

Labcorp Genetics (formerly Invitae), Labcorp
Classification: Pathogenic for Facioscapulohumeral muscular dystrophy 2. Last evaluated: 2021-03-23. Review status: criteria provided, single submitter. Criteria: Invitae Variant Classification Sherloc (09022015). Collection method: clinical testing. Allele origin: germline.
Comment: This sequence change affects a donor splice site in intron 25 of the SMCHD1 gene. It is expected to disrupt RNA splicing and likely results in an absent or disrupted protein product. Experimental studies have shown that this variant disrupts mRNA splicing (PMID: 23143600). For these reasons, this variant has been classified as Pathogenic. Donor and acceptor splice site variants typically lead to a loss of protein function (PMID: 16199547), and loss-of-function variants in SMCHD1 are known to be pathogenic (PMID: 23143600). This variant has been observed in individual(s) with facioscapulohumeral muscular dystrophy 2 (FSHD2) (PMID: 23143600, 25782668, 25370034). In at least one individual the variant was observed to be de novo. This variant is also known as c.3274_3276+2del. Clinvar contains an entry for this variant (Variaiton ID: 500665). This variant is not present in population databases (ExAC no frequency).

Institute of Human Genetics, University of Leipzig Medical Center
Classification: Pathogenic for Facioscapulohumeral muscular dystrophy 2. Last evaluated: 2020-09-14. Review status: criteria provided, single submitter. Criteria: ACMG Guidelines, 2015. Collection method: clinical testing. Allele origin: unknown. Affected: yes.

Eurofins Ntd Llc (ga)
Classification: Pathogenic. Last evaluated: 2017-03-07. Review status: criteria provided, single submitter. Criteria: EGL Classification Definitions 2015. Collection method: clinical testing. Allele origin: germline. Observed: 1 variant allele, 1 heterozygote.

Literature cited by the submitters: PubMed 23143600 (cited by Labcorp Genetics (formerly Invitae), Labcorp); PubMed 16199547 (cited by Labcorp Genetics (formerly Invitae), Labcorp); PubMed 25782668 (cited by Labcorp Genetics (formerly Invitae), Labcorp); PubMed 25370034 (cited by Labcorp Genetics (formerly Invitae), Labcorp).

NM_015295.3(SMCHD1):c.3276_3276+4del

Gene: SMCHD1 (structural maintenance of chromosomes flexible hinge domain containing 1; plus strand). Cytogenetic location: 18p11.32.
Variant type: Deletion.
Coding change: c.3276_3276+4del on transcript NM_015295.3 (MANE Select); coding-DNA position 3276 through 4 bases into the intron after coding-DNA position 3276, 5 bases deleted (AGTAA; older notation c.3276_3276+4delAGTAA).
Molecular consequence: splice donor variant.
Genome position (GRCh38, 1-based): chr18:2,732,492-2,732,496, AGTAA deleted; deleting any 5 consecutive bases within chr18:2,732,489-2,732,496 gives the same sequence; the c. name uses the placement nearest the transcript's 3' end. VCF-style (leftmost placement, unchanged base first): chr18-2732488-TTAAAG-T. GRCh37 (hg19) VCF-style: chr18-2732486-TTAAAG-T.
Identifiers: ClinVar variation 500665 (VCV000500665.18), dbSNP rs1555642277, ClinGen allele CA658798988.